The following is an entry in ClinVar:

ClinVar aggregate classification (germline): Benign. Review status: criteria provided, multiple submitters, no conflicts (2 of 4 stars). 2 submissions from 2 submitters: Benign (2). Last evaluated 2018-06-14.

Allele frequency attached by ClinVar (database versions not stated): 1000 Genomes Project 0.64058; TOPMed 0.69097; gnomAD 0.70954 and 0.71037; gnomAD exomes 0.77602.
gnomAD v4.1: 730,503 of 955,516 alleles (76%); highest among the groups gnomAD compares: Non-Finnish European, 81%; 283,107 homozygotes.

Submissions (2):

GeneDx
Classification: Benign. Last evaluated: 2018-06-14. Review status: criteria provided, single submitter. Criteria: GeneDx Variant Classification (06012015). Collection method: clinical testing. Allele origin: germline. Affected: yes.
Comment: This variant is considered likely benign or benign based on one or more of the following criteria: it is a conservative change, it occurs at a poorly conserved position in the protein, it is predicted to be benign by multiple in silico algorithms, and/or has population frequency not consistent with disease.

Breakthrough Genomics
Classification: Benign. Review status: criteria provided, single submitter. Criteria: ACMG Guidelines, 2015. Collection method: not provided. Allele origin: germline. Inheritance: Autosomal dominant inheritance. Affected: yes.

NM_000393.5(COL5A2):c.2131-148A>G

Gene: COL5A2 (collagen type V alpha 2 chain; minus strand). Cytogenetic location: 2q32.2.
Variant type: single nucleotide variant.
Coding change: c.2131-148A>G on transcript NM_000393.5 (MANE Select); 148 bases into the intron before coding-DNA position 2131, A replaced by G.
Molecular consequence: intron variant.
Genome position (GRCh38, 1-based): chr2:189,058,675, T>C on the plus strand (A>G on the coding strand, the complement: COL5A2 is on the minus strand). VCF-style: chr2-189058675-T-C. GRCh37 (hg19) VCF-style: chr2-189923401-T-C.
Identifiers: ClinVar variation 672285 (VCV000672285.2), dbSNP rs10178611, ClinGen allele CA11291764.
Genomic context (GRCh38, chr2:189,058,675, plus strand): 5'-AAAATTCAGAAATGAGACATTACTAAATCTCAATTTTCTAATTTAGTGATAAGAAATAAA[T>C]TTGAAGTAAGGATATGCTAGTTTCATAGCACAAAATATTTCTCATAAAATTAATTTTTAT-3'